The following is an entry in ClinVar:

NM_018127.7(ELAC2):c.856C>T (p.His286Tyr)

Gene: ELAC2 (elaC ribonuclease Z 2; minus strand). Cytogenetic location: 17p12.
Variant type: single nucleotide variant.
Coding change: c.856C>T on transcript NM_018127.7 (MANE Select); coding-DNA position 856, C replaced by T.
Protein change: p.His286Tyr; replaces histidine 286 with tyrosine.
Molecular consequence: missense variant.
Genome position (GRCh38, 1-based): chr17:13,005,767, G>A on the plus strand (C>T on the coding strand, the complement: ELAC2 is on the minus strand). VCF-style: chr17-13005767-G-A. GRCh37 (hg19) VCF-style: chr17-12909084-G-A.
Other names: c.736C>T, p.His246Tyr (NM_001165962.2); c.856C>T, p.His286Tyr (NM_173717.2); short protein forms H286Y, H246Y.
Identifiers: ClinVar variation 640698 (VCV000640698.5), dbSNP rs1184764865, ClinGen allele CA398227170.
Genomic context (GRCh38, chr17:13,005,767, plus strand): 5'-CAGACCCTACCTGTAACTGCTGAATCAAGAAAACCAGGCATCTCACCTCTCTTCCTTCAT[G>A]AGTGATGCTTTTCCCGTCCTTGACAGCAGCAATGATGGGAGCGATGGCAGCTGTCCCACT-3'
Protein context (NP_060597.4, residues 276-296): AAVKDGKSIT[His286Tyr]EGREILAEEL

ClinVar aggregate classification (germline): Uncertain significance (1 of 4 stars; one submission).

Conditions:
Combined oxidative phosphorylation defect type 17. Also called: Combined oxidative phosphorylation deficiency 17. Identifiers: Orphanet 369913, MedGen C3809526, MONDO:0014190, OMIM 615440.

Allele frequency attached by ClinVar (database versions not stated): gnomAD exomes below 0.00001 and 0.00002; TOPMed below 0.00001; gnomAD 0.00003.
gnomAD v4.1: 7 of 1,614,156 alleles (0.00043%); highest among the groups gnomAD compares: Admixed American, 0.01%; no homozygotes.

Submission:

Labcorp Genetics (formerly Invitae), Labcorp
Classification: Uncertain significance for Combined oxidative phosphorylation defect type 17. Last evaluated: 2024-01-02. Review status: criteria provided, single submitter. Criteria: Invitae Variant Classification Sherloc (09022015). Collection method: clinical testing. Allele origin: germline.
Comment: This sequence change replaces histidine, which is basic and polar, with tyrosine, which is neutral and polar, at codon 286 of the ELAC2 protein (p.His286Tyr). This variant is present in population databases (no rsID available, gnomAD 0.02%). This variant has not been reported in the literature in individuals affected with ELAC2-related conditions. ClinVar contains an entry for this variant (Variation ID: 640698). Advanced modeling of protein sequence and biophysical properties (such as structural, functional, and spatial information, amino acid conservation, physicochemical variation, residue mobility, and thermodynamic stability) performed at Invitae indicates that this missense variant is not expected to disrupt ELAC2 protein function with a negative predictive value of 80%. In summary, the available evidence is currently insufficient to determine the role of this variant in disease. Therefore, it has been classified as a Variant of Uncertain Significance.